The following is an entry in ClinVar:

ClinVar aggregate classification (germline): Benign (1 of 4 stars; one submission).

Conditions:
Tay-Sachs disease, variant AB. Also called: GM2 Activator Deficiency; Gm2-gangliosidosis, ab variant. Identifiers: Orphanet 309246, MedGen C0268275, MONDO:0010099, OMIM 272750.

Allele frequency attached by ClinVar (database versions not stated): gnomAD exomes 0.00180; gnomAD 0.00250 and 0.00555; TOPMed 0.00425; 1000 Genomes Project 30x 0.03279; 1000 Genomes Project 0.03375.
gnomAD v4.1: 2,557 of 985,504 alleles (0.26%); highest among the groups gnomAD compares: East Asian, 9.5%; 101 homozygotes.

Submission:

Illumina Laboratory Services, Illumina
Classification: Benign for Tay-Sachs disease, variant AB. Last evaluated: 2018-01-13. Review status: criteria provided, single submitter. Criteria: ICSL Variant Classification Criteria 13 December 2019. Collection method: clinical testing. Allele origin: germline.
Comment: This variant was observed in the ICSL laboratory as part of a predisposition screen in an ostensibly healthy population. It had not been previously curated by ICSL or reported in the Human Gene Mutation Database (HGMD: prior to June 1st, 2018), and was therefore a candidate for classification through an automated scoring system. Utilizing variant allele frequency, disease prevalence and penetrance estimates, and inheritance mode, an automated score was calculated to assess if this variant is too frequent to cause the disease. Based on the score and internal cut-off values, a variant classified as benign is not then subjected to further curation. The score for this variant resulted in a classification of benign for this disease.

NM_000405.5(GM2A):c.*1829C>T

Gene: GM2A (ganglioside GM2 activator; plus strand). Cytogenetic location: 5q33.1.
Variant type: single nucleotide variant.
Coding change: c.*1829C>T on transcript NM_000405.5 (MANE Select); 1829 bases downstream of the stop codon, C replaced by T.
Molecular consequence: 3 prime UTR variant.
Genome position (GRCh38, 1-based): chr5:151,269,280, C>T. VCF-style: chr5-151269280-C-T. GRCh37 (hg19) VCF-style: chr5-150648841-C-T.
Other names: c.*1640C>T (NM_001167607.3).
Identifiers: ClinVar variation 352286 (VCV000352286.5), dbSNP rs3806952, ClinGen allele CA10623819.